The following is an entry in ClinVar:

ClinVar aggregate classification (germline): Pathogenic (1 of 4 stars; one submission).

Conditions:
Duchenne muscular dystrophy (DMD). Also called: MUSCULAR DYSTROPHY, PSEUDOHYPERTROPHIC PROGRESSIVE, DUCHENNE TYPE; Duchenne Muscular Dystrophy (DMD). Identifiers: Orphanet 98896, MedGen C0013264, MONDO:0010679, OMIM 310200.

Submission:

Labcorp Genetics (formerly Invitae), Labcorp
Classification: Pathogenic for Duchenne muscular dystrophy. Last evaluated: 2022-02-24. Review status: criteria provided, single submitter. Criteria: Invitae Variant Classification Sherloc (09022015). Collection method: clinical testing. Allele origin: germline.
Comment: For these reasons, this variant has been classified as Pathogenic. This variant has not been reported in the literature in individuals affected with DMD-related conditions. This variant is not present in population databases (gnomAD no frequency). This sequence change creates a premature translational stop signal (p.Glu3505Alafs*9) in the DMD gene. It is expected to result in an absent or disrupted protein product. Loss-of-function variants in DMD are known to be pathogenic (PMID: 16770791, 25007885).

Literature cited by the submitters: PubMed 16770791; PubMed 25007885.

NM_004006.3(DMD):c.10506_10507del (p.Glu3505fs)

Gene: DMD (dystrophin; minus strand). Cytogenetic location: Xp21.2.
Variant type: Deletion.
Coding change: c.10506_10507del on transcript NM_004006.3 (MANE Select); coding-DNA positions 10506 to 10507, 2 bases deleted (AA; older notation c.10506_10507delAA).
Protein change: p.Glu3505fs; shifts the reading frame from glutamic acid 3505.
Molecular consequence: frameshift variant. On other transcripts: intron variant (2).
Genome position (GRCh38, 1-based): chrX:31,169,489-31,169,490, TT deleted on the plus strand (AA on the coding strand, the reverse complement: DMD is on the minus strand); deleting any 2 consecutive bases within chrX:31,169,489-31,169,491 gives the same sequence; the c. name uses the placement nearest the transcript's 3' end. VCF-style (leftmost placement, unchanged base first): chrX-31169488-CTT-C. GRCh37 (hg19) VCF-style: chrX-31187605-CTT-C.
Other names: c.10482_10483del, p.Glu3497fs (NM_000109.4); c.10494_10495del, p.Glu3501fs (NM_004009.3); c.10137_10138del, p.Glu3382fs (NM_004010.3); c.6483_6484del, p.Glu2164fs (NM_004011.4); c.6474_6475del, p.Glu2161fs (NM_004012.4); c.3126_3127del, p.Glu1045fs (NM_004013.3, NM_004021.3); c.2319_2320del, p.Glu776fs (NM_004014.3); c.1302_1303del, p.Glu437fs (NM_004015.3, NM_004016.3); and 3 more; short protein forms E2161fs, E776fs, E1032fs, E3497fs, E424fs, E1045fs, E3501fs, E3505fs.
Identifiers: ClinVar variation 2102877 (VCV002102877.4), dbSNP rs2519778144, ClinGen allele CA2580100544.